The following is an entry in ClinVar:

NM_000454.5(SOD1):c.164C>T (p.Thr55Ile)

Gene: SOD1 (superoxide dismutase 1; plus strand). Cytogenetic location: 21q22.11.
Variant type: single nucleotide variant.
Coding change: c.164C>T on transcript NM_000454.5 (MANE Select); coding-DNA position 164, C replaced by T.
Protein change: p.Thr55Ile; replaces threonine 55 with isoleucine.
Molecular consequence: missense variant.
Genome position (GRCh38, 1-based): chr21:31,663,881, C>T. VCF-style: chr21-31663881-C-T. GRCh37 (hg19) VCF-style: chr21-33036194-C-T.
Other names: short protein forms T55I.
Identifiers: ClinVar variation 3637816 (VCV003637816.2).

ClinVar aggregate classification (germline): Uncertain significance (1 of 4 stars; one submission).

Conditions:
Amyotrophic lateral sclerosis type 1 (ALS1). Also called: AMYOTROPHIC LATERAL SCLEROSIS 1, FAMILIAL. Identifiers: Orphanet 803, MedGen C1862939, MONDO:0007103, OMIM 105400.

gnomAD v4.1: 2 of 1,611,418 alleles (0.00012%); highest among the groups gnomAD compares: Non-Finnish European, 0.00017%; no homozygotes.

Submission:

Labcorp Genetics (formerly Invitae), Labcorp
Classification: Uncertain significance for Amyotrophic lateral sclerosis type 1. Last evaluated: 2024-06-17. Review status: criteria provided, single submitter. Criteria: Invitae Variant Classification Sherloc (09022015). Collection method: clinical testing. Allele origin: germline.
Comment: This sequence change replaces threonine, which is neutral and polar, with isoleucine, which is neutral and non-polar, at codon 55 of the SOD1 protein (p.Thr55Ile). This variant is not present in population databases (gnomAD no frequency). This variant has not been reported in the literature in individuals affected with SOD1-related conditions. Advanced modeling of protein sequence and biophysical properties (such as structural, functional, and spatial information, amino acid conservation, physicochemical variation, residue mobility, and thermodynamic stability) performed at Invitae indicates that this missense variant is expected to disrupt SOD1 protein function with a positive predictive value of 95%. In summary, the available evidence is currently insufficient to determine the role of this variant in disease. Therefore, it has been classified as a Variant of Uncertain Significance.